The following is an entry in ClinVar:

ClinVar aggregate classification (germline): Uncertain significance (1 of 4 stars; one submission).

Submission:

Ambry Genetics
Classification: Uncertain significance. Last evaluated: 2026-07-13. Review status: criteria provided, single submitter. Criteria: Ambry Variant Classification Scheme 2023. Collection method: clinical testing. Allele origin: germline.
Comment: The p.F910Y variant (also known as c.2729T>A), located in coding exon 24 of the KIF1B gene, results from a T to A substitution at nucleotide position 2729. The phenylalanine at codon 910 is replaced by tyrosine, an amino acid with highly similar properties. This amino acid position is conserved. In addition, the in silico prediction for this alteration is inconclusive. Based on the available evidence, the clinical significance of this variant remains unclear.

NM_001365951.3(KIF1B):c.2867T>A (p.Phe956Tyr)

Genes: KIF1B (kinesin family member 1B; plus strand), LOC126805614 (BRD4-independent group 4 enhancer GRCh37_chr1:10385546-10386745; plus strand). Cytogenetic location: 1p36.22.
Variant type: single nucleotide variant.
Coding change: c.2867T>A on transcript NM_001365951.3 (MANE Select); coding-DNA position 2867, T replaced by A.
Protein change: p.Phe956Tyr; replaces phenylalanine 956 with tyrosine.
Molecular consequence: missense variant.
Genome position (GRCh38, 1-based): chr1:10,326,302, T>A. VCF-style: chr1-10326302-T-A. GRCh37 (hg19) VCF-style: chr1-10386360-T-A.
Other names: c.2867T>A, p.Phe956Tyr (NM_001365952.1); c.2729T>A, p.Phe910Tyr (NM_015074.3); short protein forms F910Y, F956Y.
Identifiers: ClinVar variation 5023194 (VCV005023194.1).